The following is an entry in ClinVar:

ClinVar aggregate classification (germline): Uncertain significance (1 of 4 stars; one submission).

Conditions:
Charcot-Marie-Tooth disease axonal type 2P. Also called: CHARCOT-MARIE-TOOTH DISEASE, AXONAL, TYPE 2G; CMT 2G; CHARCOT-MARIE-TOOTH NEUROPATHY, TYPE 2P; Charcot-Marie-Tooth Neuropathy Type 2G. Identifiers: Orphanet 300319, Orphanet 99941, MedGen C3280797, MONDO:0013753, OMIM 614436.

Submission:

Labcorp Genetics (formerly Invitae), Labcorp
Classification: Uncertain significance for Charcot-Marie-Tooth disease axonal type 2P. Last evaluated: 2023-11-08. Review status: criteria provided, single submitter. Criteria: Invitae Variant Classification Sherloc (09022015). Collection method: clinical testing. Allele origin: germline.
Comment: This sequence change replaces isoleucine, which is neutral and non-polar, with methionine, which is neutral and non-polar, at codon 44 of the LRSAM1 protein (p.Ile44Met). This variant is not present in population databases (gnomAD no frequency). This variant has not been reported in the literature in individuals affected with LRSAM1-related conditions. An algorithm developed to predict the effect of missense changes on protein structure and function (PolyPhen-2) suggests that this variant is likely to be disruptive. In summary, the available evidence is currently insufficient to determine the role of this variant in disease. Therefore, it has been classified as a Variant of Uncertain Significance.

NM_001005373.4(LRSAM1):c.132T>G (p.Ile44Met)

Gene: LRSAM1 (leucine rich repeat and sterile alpha motif containing 1; plus strand). Cytogenetic location: 9q33.3.
Variant type: single nucleotide variant.
Coding change: c.132T>G on transcript NM_001005373.4 (MANE Select); coding-DNA position 132, T replaced by G.
Protein change: p.Ile44Met; replaces isoleucine 44 with methionine.
Molecular consequence: missense variant. On other transcripts: non-coding transcript variant (2), 5 prime UTR variant (1).
Genome position (GRCh38, 1-based): chr9:127,455,578, T>G. VCF-style: chr9-127455578-T-G. GRCh37 (hg19) VCF-style: chr9-130217857-T-G.
Other names: c.132T>G, p.Ile44Met (NM_001005374.4, NM_001190723.3, NM_001384142.1 and 2 more transcripts); c.-653T>G (NM_001384144.1); short protein forms I44M.
Identifiers: ClinVar variation 2772586 (VCV002772586.3), dbSNP rs2539304024, ClinGen allele CA374962693.